The following is an entry in ClinVar:

ClinVar aggregate classification (germline): Uncertain significance. Review status: criteria provided, multiple submitters, no conflicts (2 of 4 stars). 2 submissions from 2 submitters: Uncertain significance (2). Last evaluated 2026-02-04.

Allele frequency attached by ClinVar (database versions not stated): gnomAD exomes 0.00001 and 0.00003; TOPMed 0.00001; ExAC 0.00002; gnomAD 0.00002.

Submissions (2):

Labcorp Genetics (formerly Invitae), Labcorp
Classification: Uncertain significance. Last evaluated: 2026-02-04. Review status: criteria provided, single submitter. Criteria: Invitae Variant Classification Sherloc (09022015). Collection method: clinical testing. Allele origin: germline.
Comment: This sequence change replaces glycine, which is neutral and non-polar, with serine, which is neutral and polar, at codon 161 of the CLCN2 protein (p.Gly161Ser). This variant also falls at the last nucleotide of exon 4, which is part of the consensus splice site for this exon. This variant is present in population databases (rs760648143, gnomAD 0.04%). This variant has not been reported in the literature in individuals affected with CLCN2-related conditions. ClinVar contains an entry for this variant (Variation ID: 1684072). An algorithm developed to predict the effect of missense changes on protein structure and function (PolyPhen-2) suggests that this variant is likely to be disruptive. Variants that disrupt the consensus splice site are a relatively common cause of aberrant splicing (PMID: 17576681, 9536098). Algorithms developed to predict the effect of sequence changes on RNA splicing suggest that this variant may disrupt the consensus splice site. In summary, the available evidence is currently insufficient to determine the role of this variant in disease. Therefore, it has been classified as a Variant of Uncertain Significance.

GeneDx
Classification: Uncertain significance. Last evaluated: 2022-05-05. Review status: criteria provided, single submitter. Criteria: GeneDx Variant Classification Process June 2021. Collection method: clinical testing. Allele origin: germline. Affected: yes.
Comment: In silico analysis supports that this missense variant has a deleterious effect on protein structure/function; In-silico analysis is inconclusive as to whether the variant alters gene splicing. In the absence of RNA/functional studies, the actual effect of this sequence change is unknown.; This variant is associated with the following publications: (PMID: 31054517, 33343406)

Literature cited by the submitters: PubMed 17576681 (cited by Labcorp Genetics (formerly Invitae), Labcorp); PubMed 9536098 (cited by Labcorp Genetics (formerly Invitae), Labcorp).

NM_004366.6(CLCN2):c.481G>A (p.Gly161Ser)

Gene: CLCN2 (chloride voltage-gated channel 2; minus strand). Cytogenetic location: 3q27.1.
Variant type: single nucleotide variant.
Coding change: c.481G>A on transcript NM_004366.6 (MANE Select); coding-DNA position 481, G replaced by A.
Protein change: p.Gly161Ser; replaces glycine 161 with serine.
Molecular consequence: missense variant.
Genome position (GRCh38, 1-based): chr3:184,358,182, C>T on the plus strand (G>A on the coding strand, the complement: CLCN2 is on the minus strand). VCF-style: chr3-184358182-C-T. GRCh37 (hg19) VCF-style: chr3-184075970-C-T.
Other names: c.481G>A, p.Gly161Ser (NM_001171087.3, NM_001171089.3); c.349G>A, p.Gly117Ser (NM_001171088.3); short protein forms G117S, G161S.
Identifiers: ClinVar variation 1684072 (VCV001684072.7), dbSNP rs760648143, ClinGen allele CA2734498.